The following is an entry in ClinVar:

NM_032217.5(ANKRD17):c.6765C>G (p.Ser2255Arg)

Gene: ANKRD17 (ankyrin repeat domain 17; minus strand). Cytogenetic location: 4q13.3.
Variant type: single nucleotide variant.
Coding change: c.6765C>G on transcript NM_032217.5 (MANE Select); coding-DNA position 6765, C replaced by G.
Protein change: p.Ser2255Arg; replaces serine 2255 with arginine.
Molecular consequence: missense variant.
Genome position (GRCh38, 1-based): chr4:73,090,863, G>C on the plus strand (C>G on the coding strand, the complement: ANKRD17 is on the minus strand). VCF-style: chr4-73090863-G-C. GRCh37 (hg19) VCF-style: chr4-73956580-G-C.
Other names: c.6426C>G, p.Ser2142Arg (NM_001286771.3); c.6762C>G, p.Ser2254Arg (NM_015574.2); c.6012C>G, p.Ser2004Arg (NM_198889.3); short protein forms S2004R, S2142R, S2254R, S2255R.
Identifiers: ClinVar variation 3369943 (VCV003369943.1).

ClinVar aggregate classification (germline): Uncertain significance (1 of 4 stars; one submission).

Submission:

GeneDx
Classification: Uncertain significance. Last evaluated: 2023-12-16. Review status: criteria provided, single submitter. Criteria: GeneDx Variant Classification Process June 2021. Collection method: clinical testing. Allele origin: germline. Affected: yes.
Comment: Not observed at significant frequency in large population cohorts (gnomAD); In silico analysis supports that this missense variant has a deleterious effect on protein structure/function; Has not been previously published as pathogenic or benign to our knowledge